The following is an entry in ClinVar:

NM_002661.5(PLCG2):c.2021G>A (p.Arg674Gln)

Gene: PLCG2 (phospholipase C gamma 2; plus strand). Cytogenetic location: 16q23.3.
Variant type: single nucleotide variant.
Coding change: c.2021G>A on transcript NM_002661.5 (MANE Select); coding-DNA position 2021, G replaced by A.
Protein change: p.Arg674Gln; replaces arginine 674 with glutamine.
Molecular consequence: missense variant.
Genome position (GRCh38, 1-based): chr16:81,912,683, G>A. VCF-style: chr16-81912683-G-A. GRCh37 (hg19) VCF-style: chr16-81946288-G-A.
Other names: c.2021G>A, p.Arg674Gln (NM_001425749.1, NM_001425750.1, NM_001425751.1); short protein forms R674Q.
Identifiers: ClinVar variation 3015996 (VCV003015996.3), dbSNP rs2507681402, ClinGen allele CA396901468.

ClinVar aggregate classification (germline): Uncertain significance (1 of 4 stars; one submission).

Conditions:
Familial cold autoinflammatory syndrome 3 (FCAS3). Also called: FAMILIAL ATYPICAL COLD URTICARIA; ANTIBODY DEFICIENCY AND IMMUNE DYSREGULATION, PLCG2-ASSOCIATED. Identifiers: Orphanet 300359, MedGen C3280914, MONDO:0013766, OMIM 614468.

gnomAD v4.1: 1 of 1,612,208 alleles (0.000062%); highest among the groups gnomAD compares: Non-Finnish European, 0.000085%; no homozygotes.

Submission:

Labcorp Genetics (formerly Invitae), Labcorp
Classification: Uncertain significance for Familial cold autoinflammatory syndrome 3. Last evaluated: 2023-05-22. Review status: criteria provided, single submitter. Criteria: Invitae Variant Classification Sherloc (09022015). Collection method: clinical testing. Allele origin: germline.
Comment: In summary, the available evidence is currently insufficient to determine the role of this variant in disease. Therefore, it has been classified as a Variant of Uncertain Significance. An algorithm developed to predict the effect of missense changes on protein structure and function (PolyPhen-2) suggests that this variant is likely to be disruptive. This variant has not been reported in the literature in individuals affected with PLCG2-related conditions. This variant is not present in population databases (gnomAD no frequency). This sequence change replaces arginine, which is basic and polar, with glutamine, which is neutral and polar, at codon 674 of the PLCG2 protein (p.Arg674Gln).